The following is an entry in ClinVar:

ClinVar aggregate classification (germline): Uncertain significance (1 of 4 stars; one submission).

Allele frequency attached by ClinVar (database versions not stated): gnomAD 0.00002 and 0.00003; TOPMed 0.00005.

Submission:

Labcorp Genetics (formerly Invitae), Labcorp
Classification: Uncertain significance. Last evaluated: 2022-08-02. Review status: criteria provided, single submitter. Criteria: Invitae Variant Classification Sherloc (09022015). Collection method: clinical testing. Allele origin: germline.
Comment: This variant has not been reported in the literature in individuals affected with ATP8A2-related conditions. This variant is present in population databases (rs373663072, gnomAD 0.007%). This sequence change replaces valine, which is neutral and non-polar, with methionine, which is neutral and non-polar, at codon 80 of the ATP8A2 protein (p.Val80Met). ClinVar contains an entry for this variant (Variation ID: 1427140). In summary, the available evidence is currently insufficient to determine the role of this variant in disease. Therefore, it has been classified as a Variant of Uncertain Significance. Algorithms developed to predict the effect of missense changes on protein structure and function (SIFT, PolyPhen-2, Align-GVGD) all suggest that this variant is likely to be tolerated.

NM_016529.6(ATP8A2):c.238G>A (p.Val80Met)

Gene: ATP8A2 (ATPase phospholipid transporting 8A2). Cytogenetic location: 13q12.13.
Variant type: single nucleotide variant.
Coding change: c.238G>A on transcript NM_016529.6 (MANE Select); coding-DNA position 238, G replaced by A.
Protein change: p.Val80Met; replaces valine 80 with methionine.
Molecular consequence: missense variant.
Genome position (GRCh38, 1-based): chr13:25,530,015, G>A. VCF-style: chr13-25530015-G-A. GRCh37 (hg19) VCF-style: chr13-26104153-G-A.
Other names: c.118G>A, p.Val40Met (NM_001313741.1); short protein forms V40M, V80M.
Identifiers: ClinVar variation 1427140 (VCV001427140.6), dbSNP rs373663072, ClinGen allele CA6922510.
Genomic context (GRCh38, chr13:25,530,015, plus strand): 5'-TTTACATCTATAACTGATAGTATTATTTTTCTTTGCACTTACAGTACGGCCAAGTACAGC[G>A]TGTTGACATTTCTACCTCGATTCTTGTATGAGCAGATTAGAAGAGCTGCTAATGCCTTCT-3'
Protein context (NP_057613.4, residues 70-90): DNQISTAKYS[Val80Met]LTFLPRFLYE